The following is an entry in ClinVar:

NM_004360.5(CDH1):c.125C>G (p.Pro42Arg)

Gene: CDH1 (cadherin 1; plus strand). Cytogenetic location: 16q22.1.
Variant type: single nucleotide variant.
Coding change: c.125C>G on transcript NM_004360.5 (MANE Select); coding-DNA position 125, C replaced by G.
Protein change: p.Pro42Arg; replaces proline 42 with arginine.
Molecular consequence: missense variant. On other transcripts: 5 prime UTR variant (2).
Genome position (GRCh38, 1-based): chr16:68,738,373, C>G. VCF-style: chr16-68738373-C-G. GRCh37 (hg19) VCF-style: chr16-68772276-C-G.
Other names: c.125C>G, p.Pro42Arg (NM_001317184.2); c.-1491C>G (NM_001317185.2); c.-1695C>G (NM_001317186.2); short protein forms P42R.
Identifiers: ClinVar variation 958738 (VCV000958738.13), dbSNP rs876659333, ClinGen allele CA396452143.

ClinVar aggregate classification (germline): Conflicting classifications of pathogenicity. Review status: criteria provided, conflicting classifications (1 of 4 stars). 4 submissions from 4 submitters: Uncertain significance (3); Likely benign (1). Last evaluated 2026-06-12.

Conditions:
Hereditary cancer-predisposing syndrome. Also called: Hereditary Cancer Syndrome; Neoplastic Syndromes, Hereditary; Tumor predisposition; Hereditary neoplastic syndrome. Identifiers: Orphanet 140162, MedGen C0027672, MeSH D009386, MONDO:0015356.
Hereditary diffuse gastric adenocarcinoma (HDGC). Also called: DIFFUSE GASTRIC AND LOBULAR BREAST CANCER SYNDROME. Identifiers: Orphanet 26106, MedGen C1708349, MONDO:0007648, OMIM 137215.

Submissions (4):

Ambry Genetics
Classification: Likely benign for Hereditary cancer-predisposing syndrome. Last evaluated: 2026-06-12. Review status: criteria provided, single submitter. Criteria: Ambry Variant Classification Scheme 2023. Collection method: clinical testing. Allele origin: germline.

Labcorp Genetics (formerly Invitae), Labcorp
Classification: Uncertain significance for Hereditary diffuse gastric adenocarcinoma. Last evaluated: 2025-06-04. Review status: criteria provided, single submitter. Criteria: Invitae Variant Classification Sherloc (09022015). Collection method: clinical testing. Allele origin: germline.
Comment: This sequence change replaces proline, which is neutral and non-polar, with arginine, which is basic and polar, at codon 42 of the CDH1 protein (p.Pro42Arg). This variant is not present in population databases (gnomAD no frequency). This variant has not been reported in the literature in individuals affected with CDH1-related conditions. ClinVar contains an entry for this variant (Variation ID: 958738). An algorithm developed to predict the effect of missense changes on protein structure and function (PolyPhen-2) suggests that this variant is likely to be disruptive. In summary, the available evidence is currently insufficient to determine the role of this variant in disease. Therefore, it has been classified as a Variant of Uncertain Significance.

GeneDx
Classification: Uncertain significance. Last evaluated: 2022-08-30. Review status: criteria provided, single submitter. Criteria: GeneDx Variant Classification Process June 2021. Collection method: clinical testing. Allele origin: germline. Affected: yes.
Comment: Not observed at significant frequency in large population cohorts (gnomAD); In silico analysis supports that this missense variant has a deleterious effect on protein structure/function; Has not been previously published as pathogenic or benign to our knowledge

Women's Health and Genetics/Laboratory Corporation of America, LabCorp
Classification: Uncertain significance. Last evaluated: 2022-02-14. Review status: criteria provided, single submitter. Criteria: LabCorp Variant Classification Summary - May 2015. Collection method: clinical testing. Allele origin: germline.